The following is an entry in ClinVar:

ClinVar aggregate classification (germline): Uncertain significance. Review status: criteria provided, multiple submitters, no conflicts (2 of 4 stars). 2 submissions from 2 submitters: Uncertain significance (2). Last evaluated 2024-07-17.

Allele frequency attached by ClinVar (database versions not stated): ESP Exome Variant Server 0.00008; 1000 Genomes Project 30x 0.00016; 1000 Genomes Project 0.00020; TOPMed 0.00023; ExAC 0.00032; gnomAD 0.00033; gnomAD exomes 0.00035.
gnomAD v4.1: 556 of 1,614,228 alleles (0.034%); highest among the groups gnomAD compares: Non-Finnish European, 0.037%; 1 homozygote.

Submissions (2):

Ambry Genetics
Classification: Uncertain significance. Last evaluated: 2024-07-17. Review status: criteria provided, single submitter. Criteria: Ambry Variant Classification Scheme 2023. Collection method: clinical testing. Allele origin: germline.

CeGaT Center for Human Genetics Tuebingen
Classification: Uncertain significance. Last evaluated: 2024-01-01. Review status: criteria provided, single submitter. Criteria: CeGaT Center For Human Genetics Tuebingen Variant Classification Criteria Version 2. Collection method: clinical testing. Allele origin: germline. Affected: yes. Observed: 1 variant allele.
Comment: TTC21A: PM2

NM_001366900.1(TTC21A):c.1948C>A (p.Pro650Thr)

Gene: TTC21A (tetratricopeptide repeat domain 21A; plus strand). Cytogenetic location: 3p22.2.
Variant type: single nucleotide variant.
Coding change: c.1948C>A on transcript NM_001366900.1 (MANE Select); coding-DNA position 1948, C replaced by A.
Protein change: p.Pro650Thr; replaces proline 650 with threonine.
Molecular consequence: missense variant. On other transcripts: non-coding transcript variant (3).
Genome position (GRCh38, 1-based): chr3:39,129,123, C>A. VCF-style: chr3-39129123-C-A. GRCh37 (hg19) VCF-style: chr3-39170614-C-A.
Other names: c.1969C>A (NM_145755.2); c.1825C>A, p.Pro609Thr (NM_001105513.3); c.1972C>A, p.Pro658Thr (NM_001366899.1); c.1969C>A, p.Pro657Thr (NM_145755.3); short protein forms P609T, P650T, P657T, P658T.
Identifiers: ClinVar variation 3025327 (VCV003025327.23), dbSNP rs199900796, ClinGen allele CA2324536.